The following is an entry in ClinVar:

ClinVar aggregate classification (germline): Pathogenic. Review status: criteria provided, multiple submitters, no conflicts (2 of 4 stars). 8 submissions from 8 submitters: Pathogenic (7). 1 of the submissions does not count toward it. Last evaluated 2025-08-06.

Conditions:
DSP-related disorder. Also called: DSP-related condition; DSP-related disorders.
Cardiovascular phenotype. Identifiers: MedGen CN230736.
Arrhythmogenic right ventricular dysplasia 8 (ARVD8). Also called: Arrhythmogenic Right Ventricular Dysplasia/Cardiomyopathy 8; ARRHYTHMOGENIC RIGHT VENTRICULAR DYSPLASIA, FAMILIAL, 8; ARRHYTHMOGENIC RIGHT VENTRICULAR CARDIOMYOPATHY 8. Identifiers: MedGen C1843896, MONDO:0011831, OMIM 607450.
Arrhythmogenic cardiomyopathy with wooly hair and keratoderma. Also called: Carvajal syndrome; Dilated cardiomyopathy with woolly hair and keratoderma; Arrhythmogenic cardiomyopathy with woolly hair and keratoderma; PALMOPLANTAR KERATODERMA WITH LEFT VENTRICULAR CARDIOMYOPATHY AND WOOLLY HAIR. Identifiers: Orphanet 65282, MedGen C1854063, MONDO:0011581, OMIM 605676.
Arrhythmogenic right ventricular cardiomyopathy (ARVD). Also called: Arrhythmogenic right ventricular dysplasia; Arrhythmogenic cardiomyopathy; Arrhythmogenic Right Ventricular Cardiomyopathy (ARVC); Cardiomyopathy, ARVC. Identifiers: Orphanet 247, MedGen C0349788, MeSH D019571, MONDO:0016587. Disease mechanism: loss of function. Inheritance: Various modes of inheritance.
Cardiomyopathy (CMYO). Also called: Cardiomyopathies. Identifiers: Orphanet 167848, MedGen C0878544, MONDO:0004994, HP:0001638. Inheritance: Various modes of inheritance.

Allele frequency attached by ClinVar (database versions not stated): gnomAD exomes below 0.00001.
gnomAD v4.1: 2 of 1,613,992 alleles (0.00012%); highest among the groups gnomAD compares: Non-Finnish European, 0.000085%; no homozygotes.

Submissions (8):

Labcorp Genetics (formerly Invitae), Labcorp
Classification: Pathogenic for Arrhythmogenic cardiomyopathy with wooly hair and keratoderma; Arrhythmogenic right ventricular dysplasia 8. Last evaluated: 2025-08-06. Review status: criteria provided, single submitter. Criteria: Invitae Variant Classification Sherloc (09022015). Collection method: clinical testing. Allele origin: germline.
Comment: This sequence change creates a premature translational stop signal (p.Arg1951*) in the DSP gene. While this is not anticipated to result in nonsense mediated decay, it is expected to disrupt the last 921 amino acid(s) of the DSP protein. This variant is not present in population databases (gnomAD no frequency). This premature translational stop signal has been observed in individual(s) with dilated cardiomyopathy (PMID: 26899768). ClinVar contains an entry for this variant (Variation ID: 222582). This variant disrupts a region of the DSP protein in which other variant(s) (p.Glu2728Glyfs*11) have been determined to be pathogenic (internal data). This suggests that this is a clinically significant region of the protein, and that variants that disrupt it are likely to be disease-causing. For these reasons, this variant has been classified as Pathogenic.

GeneDx
Classification: Pathogenic. Last evaluated: 2025-06-02. Review status: criteria provided, single submitter. Criteria: GeneDx Variant Classification Process June 2021. Collection method: clinical testing. Allele origin: germline. Affected: yes.
Comment: Identified in patients with cardiomyopathy in published literature (PMID: 26656175, 26899768, 32372669); Nonsense variant predicted to result in protein truncation in a gene for which loss of function is a known mechanism of disease; Not observed at significant frequency in large population cohorts (gnomAD); This variant is associated with the following publications: (PMID: 26656175, 36175056, 35474678, 36580316, 35083019, 32372669, 31402444, Reza_2022_Cardiogenetics, 38938828, 26899768)

PreventionGenetics, part of Exact Sciences
Classification: Pathogenic for DSP-related condition. Last evaluated: 2025-02-16. Review status: criteria provided, single submitter. Criteria: ACMG Guidelines, 2015. Collection method: clinical testing. Allele origin: germline.
Comment: The DSP c.5851C>T variant is predicted to result in premature protein termination (p.Arg1951*). This variant resides in the large terminal exon of this gene, and it is unclear if the resulting mRNA would undergo nonsense-mediated decay. However, this variant is predicted to remove ~32% of the protein. This variant has been reported in individuals with arrhythmogenic cardiomyopathy, dilated cardiomyopathy, hypertrophic cardiomyopathy, or acute myocarditis (Bottillo et al. 2016. PubMed ID: 26656175; Cuenca et al. 2016. PubMed ID: 26899768; Table S2, Smith et al. 2020. PubMed ID: 32372669; Kontorovich et al. 2021. PubMed ID: 34368507). This variant has not been reported in a large population database (gnomAD), indicating this variant is rare. Nonsense variants in DSP are expected to be pathogenic. This variant is interpreted as pathogenic.

Ambry Genetics
Classification: Pathogenic for Cardiovascular phenotype. Last evaluated: 2024-08-06. Review status: criteria provided, single submitter. Criteria: Ambry Variant Classification Scheme 2023. Collection method: clinical testing. Allele origin: germline.
Comment: The p.R1951* pathogenic mutation (also known as c.5851C>T), located in coding exon 24 of the DSP gene, results from a C to T substitution at nucleotide position 5851. This changes the amino acid from an arginine to a stop codon within coding exon 24. This alteration occurs at the 3' terminus of the DSP gene, is not expected to trigger nonsense-mediated mRNA decay, and impacts the last 32% of the protein. However, premature stop codons are typically deleterious in nature and the impacted region is critical for protein function (Ambry internal data). Alterations in DSP that result in haploinsufficiency or protein truncation have been reported in patients with arrhythmogenic right ventricular cardiomyopathy (ARVC) and dilated cardiomyopathy (DCM) (Fressart V et al. Europace.2010;12(6):861-8; Elliott P et al. Circ Cardiovasc Genet. 2010;3(4):314-22; Quarta G et al. Circulation.2011;123(23):2701-9; Garcia-Pavia P et al. Heart. 2011;97(21):1744-52; Rasmussen TB et al. Clin Genet. 2013;84(1):20-30; Pugh TJ et al. Genet Med. 2014;16(8):601-8). This variant has been detected in individuals with features consistent with arrhythmogenic cardiomyopathy and dilated cardiomyopathy (Cuenca S et al. J Heart Lung Transplant, 2016 May;35:625-35; Chen V et al. Eur Heart J Case Rep, 2022 Mar;6:ytac105; Gasperetti A et al. JACC Adv, 2024 Mar;3:100832). This variant is considered to be rare based on population cohorts in the Genome Aggregation Database (gnomAD). Based on the supporting evidence, this variant is interpreted as a disease-causing mutation.

Blueprint Genetics
Classification: Pathogenic for DSP-related disorders. Last evaluated: 2024-04-03. Review status: criteria provided, single submitter. Criteria: ACMG Guidelines, 2015. Collection method: clinical testing. Allele origin: germline. Affected: yes. Observed: 2 variant alleles.

All of Us Research Program, National Institutes of Health
Classification: Pathogenic for Arrhythmogenic cardiomyopathy with wooly hair and keratoderma. Last evaluated: 2023-08-23. Review status: criteria provided, single submitter. Criteria: ACMG Guidelines, 2015. Collection method: clinical testing. Allele origin: germline. Inheritance: Autosomal dominant inheritance. Observed: 1 variant allele, 1 heterozygote.
Comment: This variant changes 1 nucleotide in exon 24 of the DSP gene, creating a premature translation stop signal in the last exon. Although functional studies have not been reported, this variant is predicted to escape nonsense-mediated decay and be expressed as a truncated protein with disruption to the plakin repeat domains and downstream C-terminal sequence that have been reported to be essential for interaction with intermediate filaments (PMID: 12101406, 12802069, 21756917). This variant has been reported in 6 unrelated individuals affected with arrhythmogenic cardiomyopathy (PMID: 35474678, 36768812, Delpon 2016, Burns 2019, dissertation, The University of Sydney), in 1 individual affected with familial dilated cardiomyopathy (PMID: 26899768), hypertrophic cardiomyopathy (PMID: 26656175), and acute myocarditis (PMID: 34368507). This variant has not been identified in the general population by the Genome Aggregation Database (gnomAD). Based on the available evidence, this variant is classified as Pathogenic.

This study involves interpretation of variants in research participants for the purpose of population health screening. Participant phenotype was not available at the time of variant classification. Additional details can be found in publication PMID: 35346344, PMCID: PMC8962531

Color Diagnostics, LLC DBA Color Health
Classification: Pathogenic for Cardiomyopathy. Last evaluated: 2023-06-22. Review status: criteria provided, single submitter. Criteria: ACMG Guidelines, 2015. Collection method: clinical testing. Allele origin: germline.
Comment: This variant changes 1 nucleotide in exon 24 of the DSP gene, creating a premature translation stop signal in the last exon. Although functional studies have not been reported, this variant is predicted to escape nonsense-mediated decay and be expressed as a truncated protein with disruption to the plakin repeat domains and downstream C-terminal sequence that have been reported to be essential for interaction with intermediate filaments (PMID: 12101406, 12802069, 21756917). This variant has been reported in 6 unrelated individuals affected with arrhythmogenic cardiomyopathy (PMID: 35474678, 36768812, Delpon 2016, Burns 2019, dissertation, The University of Sydney), in 1 individual affected with familial dilated cardiomyopathy (PMID: 26899768), hypertrophic cardiomyopathy (PMID: 26656175), and acute myocarditis (PMID: 34368507). This variant has not been identified in the general population by the Genome Aggregation Database (gnomAD). Based on the available evidence, this variant is classified as Pathogenic.

Sangiuolo Lab - Medical Genetics Laboratory, Tor Vergata University
Classification: Pathogenic for Arrhythmogenic right ventricular cardiomyopathy. Last evaluated: 2023-01-10. Review status: no assertion criteria provided. Collection method: clinical testing. Allele origin: germline. Affected: yes. Not counted in ClinVar's aggregate classification.

Literature cited by the submitters: PubMed 26899768 (cited by 4 submitters); PubMed 35474678 (cited by 3 submitters); PubMed 38938828 (cited by Ambry Genetics); PubMed 12101406 (cited by All of Us Research Program, National Institutes of Health and Color Diagnostics, LLC DBA Color Health); PubMed 12802069 (cited by All of Us Research Program, National Institutes of Health and Color Diagnostics, LLC DBA Color Health); PubMed 21756917 (cited by All of Us Research Program, National Institutes of Health and Color Diagnostics, LLC DBA Color Health); PubMed 26656175 (cited by All of Us Research Program, National Institutes of Health and Color Diagnostics, LLC DBA Color Health); PubMed 34368507 (cited by All of Us Research Program, National Institutes of Health and Color Diagnostics, LLC DBA Color Health); PubMed 36768812 (cited by All of Us Research Program, National Institutes of Health and Color Diagnostics, LLC DBA Color Health).

NM_004415.4(DSP):c.5851C>T (p.Arg1951Ter)

Gene: DSP (desmoplakin; plus strand). Cytogenetic location: 6p24.3.
Variant type: single nucleotide variant.
Coding change: c.5851C>T on transcript NM_004415.4 (MANE Select); coding-DNA position 5851, C replaced by T.
Protein change: p.Arg1951Ter; replaces arginine 1951 with a stop codon.
Molecular consequence: nonsense.
Genome position (GRCh38, 1-based): chr6:7,583,113, C>T. VCF-style: chr6-7583113-C-T. GRCh37 (hg19) VCF-style: chr6-7583346-C-T.
Other names: c.4054C>T, p.Arg1352Ter (NM_001008844.3); c.4522C>T, p.Arg1508Ter (NM_001319034.2); c.5851C>T (LRG_423t1, NM_004415.3); short protein forms R1951*, R1352*, R1508*.
Identifiers: ClinVar variation 222582 (VCV000222582.21), dbSNP rs869025395, ClinGen allele CA353961.